The following is an entry in ClinVar:

NM_004840.3(ARHGEF6):c.2067_2069del (p.Leu690del)

Gene: ARHGEF6 (Rac/Cdc42 guanine nucleotide exchange factor 6; minus strand). Cytogenetic location: Xq26.3.
Variant type: Deletion.
Coding change: c.2067_2069del on transcript NM_004840.3 (MANE Select); coding-DNA positions 2067 to 2069, 3 bases deleted (ACT; older notation c.2067_2069delACT).
Protein change: p.Leu690del; deletes leucine 690.
Molecular consequence: inframe deletion.
Genome position (GRCh38, 1-based): chrX:136,672,086-136,672,088, AGT deleted on the plus strand (ACT on the coding strand, the reverse complement: ARHGEF6 is on the minus strand); deleting any 3 consecutive bases within chrX:136,672,086-136,672,090 gives the same sequence; the c. name uses the placement nearest the transcript's 3' end. VCF-style (leftmost placement, unchanged base first): chrX-136672085-GAGT-G. GRCh37 (hg19) VCF-style: chrX-135754244-GAGT-G.
Other names: c.1605_1607del, p.Leu536del (NM_001306177.2); c.2067_2069delACT (NM_004840.2); short protein forms L690del, L536del.
Identifiers: ClinVar variation 807825 (VCV000807825.42), dbSNP rs770180249, ClinGen allele CA10528235.

ClinVar aggregate classification (germline): Uncertain significance. Review status: criteria provided, multiple submitters, no conflicts (2 of 4 stars). 2 submissions from 2 submitters: Uncertain significance (2). Last evaluated 2023-03-13.

Conditions:
ARHGEF6-related disorder. Also called: ARHGEF6-related condition.

Submissions (2):

PreventionGenetics, part of Exact Sciences
Classification: Uncertain significance for ARHGEF6-related condition. Last evaluated: 2023-03-13. Review status: criteria provided, single submitter. Criteria: ACMG Guidelines, 2015. Collection method: clinical testing. Allele origin: germline.
Comment: The ARHGEF6 c.2067_2069delACT variant is predicted to result in an in-frame deletion (p.Leu690del). To our knowledge, this variant has not been reported in the literature. This variant is reported in 0.0073% of alleles in individuals of Latino descent in gnomAD. At this time, the clinical significance of this variant is uncertain due to the absence of conclusive functional and genetic evidence.

CeGaT Center for Human Genetics Tuebingen
Classification: Uncertain significance. Last evaluated: 2018-12-01. Review status: criteria provided, single submitter. Criteria: CeGaT Center For Human Genetics Tuebingen Variant Classification Criteria Version 2. Collection method: clinical testing. Allele origin: germline. Affected: yes. Observed: 3 variant alleles.